The following is an entry in ClinVar:

ClinVar aggregate classification (germline): Uncertain significance (1 of 4 stars; one submission).

Conditions:
DICER1-related tumor predisposition. Also called: DICER1-related pleuropulmonary blastoma cancer predisposition syndrome; DICER1 syndrome. Identifiers: Orphanet 284343, MedGen C3839822, MONDO:0100216.

gnomAD v4.1: 2 of 1,614,158 alleles (0.00012%); highest among the groups gnomAD compares: Non-Finnish European, 0.00017%; no homozygotes.

Submission:

Labcorp Genetics (formerly Invitae), Labcorp
Classification: Uncertain significance for DICER1-related tumor predisposition. Last evaluated: 2021-08-26. Review status: criteria provided, single submitter. Criteria: Invitae Variant Classification Sherloc (09022015). Collection method: clinical testing. Allele origin: germline.
Comment: This sequence change replaces serine with asparagine at codon 1224 of the DICER1 protein (p.Ser1224Asn). The serine residue is weakly conserved and there is a small physicochemical difference between serine and asparagine. This variant is not present in population databases (ExAC no frequency). This variant has not been reported in the literature in individuals affected with DICER1-related conditions. Algorithms developed to predict the effect of missense changes on protein structure and function output the following: SIFT: "Tolerated"; PolyPhen-2: "Benign"; Align-GVGD: "Class C0". The asparagine amino acid residue is found in multiple mammalian species, which suggests that this missense change does not adversely affect protein function. In summary, the available evidence is currently insufficient to determine the role of this variant in disease. Therefore, it has been classified as a Variant of Uncertain Significance.

NM_177438.3(DICER1):c.3671G>A (p.Ser1224Asn)

Gene: DICER1 (dicer 1, ribonuclease III; minus strand). Cytogenetic location: 14q32.13.
Variant type: single nucleotide variant.
Coding change: c.3671G>A on transcript NM_177438.3 (MANE Select); coding-DNA position 3671, G replaced by A.
Protein change: p.Ser1224Asn; replaces serine 1224 with asparagine.
Molecular consequence: missense variant.
Genome position (GRCh38, 1-based): chr14:95,103,725, C>T on the plus strand (G>A on the coding strand, the complement: DICER1 is on the minus strand). VCF-style: chr14-95103725-C-T. GRCh37 (hg19) VCF-style: chr14-95570062-C-T.
Other names: c.3671G>A, p.Ser1224Asn (NM_001195573.1, NM_001271282.3, NM_001291628.2 and 1 more transcripts); short protein forms S1224N.
Identifiers: ClinVar variation 477155 (VCV000477155.7), dbSNP rs1555369495, ClinGen allele CA390874429.
Genomic context (GRCh38, chr14:95,103,725, plus strand): 5'-TCAAGGTATTTATTACTCAGGAGAGTACATTCATCGCTGGGCTGGGGCTGGTTCTCGTAA[C>T]TGTATAAATTCTGAATGGAATATGAGGTAGTTGGTTGCACGGGTATTTCCTGCTTGTAGT-3'
Protein context (NP_803187.1, residues 1214-1234): TTSYSIQNLY[Ser1224Asn]YENQPQPSDE